The following is an entry in ClinVar:

ClinVar aggregate classification (germline): Uncertain significance. Review status: criteria provided, multiple submitters, no conflicts (2 of 4 stars). 2 submissions from 2 submitters: Uncertain significance (2). Last evaluated 2025-07-25.

Conditions:
Malignant hyperthermia, susceptibility to, 5 (MHS5). Also called: CACNA1S-Related Malignant Hyperthermia Susceptibility. Identifiers: Orphanet 423, MedGen C1866077, MONDO:0011163, OMIM 601887.

gnomAD v4.1: 1 of 1,614,008 alleles (0.000062%); highest among the groups gnomAD compares: Non-Finnish European, 0.000085%; no homozygotes.

Submissions (2):

Color Diagnostics, LLC DBA Color Health
Classification: Uncertain significance for Malignant hyperthermia, susceptibility to, 5. Last evaluated: 2025-07-25. Review status: criteria provided, single submitter. Criteria: ACMG Guidelines, 2015. Collection method: clinical testing. Allele origin: germline.
Comment: This missense variant replaces alanine with threonine at codon 30 of the CACNA1S protein. Computational prediction suggests that this variant may not impact protein structure and function. To our knowledge, functional studies have not been reported for this variant. This variant has not been reported in individuals affected with CACNA1S-related disorders in the literature. This variant has not been identified in the general population by the Genome Aggregation Database (gnomAD). The available evidence is insufficient to determine the role of this variant in disease conclusively. Therefore, this variant is classified as a Variant of Uncertain Significance.

All of Us Research Program, National Institutes of Health
Classification: Uncertain significance for Malignant hyperthermia, susceptibility to, 5. Last evaluated: 2024-08-06. Review status: criteria provided, single submitter. Criteria: ACMG Guidelines, 2015. Collection method: clinical testing. Allele origin: germline. Inheritance: Autosomal dominant inheritance. Observed: 1 variant allele, 1 heterozygote.
Comment: This study involves interpretation of variants in research participants for the purpose of population health screening. Participant phenotype was not available at the time of variant classification. Additional details can be found in publication PMID: 35346344, PMCID: PMC8962531

NM_000069.3(CACNA1S):c.88G>A (p.Ala30Thr)

Gene: CACNA1S (calcium voltage-gated channel subunit alpha1 S; minus strand). Cytogenetic location: 1q32.1.
Variant type: single nucleotide variant.
Coding change: c.88G>A on transcript NM_000069.3 (MANE Select); coding-DNA position 88, G replaced by A.
Protein change: p.Ala30Thr; replaces alanine 30 with threonine.
Molecular consequence: missense variant.
Genome position (GRCh38, 1-based): chr1:201,112,252, C>T on the plus strand (G>A on the coding strand, the complement: CACNA1S is on the minus strand). VCF-style: chr1-201112252-C-T. GRCh37 (hg19) VCF-style: chr1-201081380-C-T.
Other names: short protein forms A30T.
Identifiers: ClinVar variation 3386417 (VCV003386417.2).